The following is an entry in ClinVar:

ClinVar aggregate classification (germline): Uncertain significance (1 of 4 stars; one submission).

Conditions:
GTF2IRD1-related disorder. Also called: GTF2IRD1-related condition.

Submission:

PreventionGenetics, part of Exact Sciences
Classification: Uncertain significance for GTF2IRD1-related condition. Last evaluated: 2023-09-05. Review status: criteria provided, single submitter. Criteria: ACMG Guidelines, 2015. Collection method: clinical testing. Allele origin: germline.
Comment: The GTF2IRD1 c.1132G>T variant is predicted to result in premature protein termination (p.Glu378*). To our knowledge, this variant has not been reported in the literature or in a large population database, indicating this variant is rare. At this time, the clinical significance of this variant is uncertain due to the absence of conclusive functional and genetic evidence.

NM_005685.4(GTF2IRD1):c.1036G>T (p.Glu346Ter)

Gene: GTF2IRD1 (GTF2I repeat domain containing 1; plus strand). Cytogenetic location: 7q11.23.
Variant type: single nucleotide variant.
Coding change: c.1036G>T on transcript NM_005685.4 (MANE Select); coding-DNA position 1036, G replaced by T.
Protein change: p.Glu346Ter; replaces glutamic acid 346 with a stop codon.
Molecular consequence: nonsense.
Genome position (GRCh38, 1-based): chr7:74,524,100, G>T. VCF-style: chr7-74524100-G-T. GRCh37 (hg19) VCF-style: chr7-73938430-G-T.
Other names: c.1132G>T, p.Glu378Ter (NM_001199207.2); c.1036G>T, p.Glu346Ter (NM_001410888.1, NM_016328.3); short protein forms E346*, E378*.
Identifiers: ClinVar variation 2636731 (VCV002636731.1), dbSNP rs782799091, ClinGen allele CA367941027.
Genomic context (GRCh38, chr7:74,524,100, plus strand): 5'-CTGCTCACTTGTGCCTCCTGTGTTTTGATAGAGAAGTGGGACGCCTTCATAAAGGAAACC[G>T]AGGACATCAACACGCTCCGGGAGTGTGTGCAGATCCTGTTTAACAGCAGATATGGTGAGT-3'